The following is an entry in ClinVar:

ClinVar aggregate classification (germline): Uncertain significance. Review status: criteria provided, single submitter (1 of 4 stars). 2 submissions from 2 submitters: Uncertain significance (1). 1 of the submissions does not count toward it. Last evaluated 2021-07-14.

Conditions:
Abetalipoproteinaemia (ABL). Also called: Abetalipoproteinemia; Abetalipoproteinemia neuropathy; Apolipoprotein B deficiency; Congenital betalipoprotein deficiency syndrome; MTP DEFICIENCY. Identifiers: Orphanet 14, MedGen C0000744, MONDO:0008692, OMIM 200100, HP:0008181.

gnomAD v4.1: 1 of 1,613,820 alleles (0.000062%); no homozygotes.

Submissions (2):

Labcorp Genetics (formerly Invitae), Labcorp
Classification: Uncertain significance. Last evaluated: 2021-07-14. Review status: criteria provided, single submitter. Criteria: Invitae Variant Classification Sherloc (09022015). Collection method: clinical testing. Allele origin: germline.
Comment: This sequence change affects codon 253 of the MTTP mRNA. It is a 'silent' change, meaning that it does not change the encoded amino acid sequence of the MTTP protein. It affects a nucleotide within the consensus splice site of the intron. This variant is not present in population databases (ExAC no frequency). This variant has not been reported in the literature in individuals affected with MTTP-related conditions. Nucleotide substitutions within the consensus splice site are a relatively common cause of aberrant splicing (PMID: 17576681, 9536098). Algorithms developed to predict the effect of sequence changes on RNA splicing suggest that this variant is not likely to affect RNA splicing. In summary, the available evidence is currently insufficient to determine the role of this variant in disease. Therefore, it has been classified as a Variant of Uncertain Significance.

Natera, Inc.
Classification: Uncertain significance for Abetalipoproteinemia. Last evaluated: 2021-04-19. Review status: no assertion criteria provided. Collection method: clinical testing. Allele origin: germline. Not counted in ClinVar's aggregate classification.

Literature cited by the submitters: PubMed 17576681 (cited by Labcorp Genetics (formerly Invitae), Labcorp); PubMed 9536098 (cited by Labcorp Genetics (formerly Invitae), Labcorp).

NM_001386140.1(MTTP):c.759G>A (p.Lys253=)

Gene: MTTP (microsomal triglyceride transfer protein; plus strand). Cytogenetic location: 4q23.
Variant type: single nucleotide variant.
Coding change: c.759G>A on transcript NM_001386140.1 (MANE Select); coding-DNA position 759, G replaced by A.
Protein change: p.Lys253=; no amino-acid change (lysine 253 retained).
Molecular consequence: synonymous variant.
Genome position (GRCh38, 1-based): chr4:99,594,733, G>A. VCF-style: chr4-99594733-G-A. GRCh37 (hg19) VCF-style: chr4-100515890-G-A.
Other names: c.759G>A, p.Lys253= (NM_000253.4); c.510G>A, p.Lys170= (NM_001300785.2).
Identifiers: ClinVar variation 856669 (VCV000856669.5), dbSNP rs1725509234, ClinGen allele CA440329148.